The following is an entry in ClinVar:

ClinVar aggregate classification (germline): Uncertain significance. Review status: criteria provided, multiple submitters, no conflicts (2 of 4 stars). 4 submissions from 4 submitters: Uncertain significance (4). Last evaluated 2024-12-18.

Conditions:
Hereditary cancer-predisposing syndrome. Also called: Neoplastic Syndromes, Hereditary; Hereditary Cancer Syndrome; Tumor predisposition; Hereditary neoplastic syndrome. Identifiers: Orphanet 140162, MedGen C0027672, MeSH D009386, MONDO:0015356.
Lynch syndrome. Identifiers: Orphanet 144, MedGen C4552100, MONDO:0005835. Disease mechanism: loss of function.
Lynch syndrome 4 (LYNCH4). Also called: Colorectal cancer, hereditary nonpolyposis, type 4; Hereditary non-polyposis colorectal cancer, type 4. Identifiers: Orphanet 144, MedGen C1838333, MONDO:0013699, OMIM 614337. Disease mechanism: loss of function.

Submissions (4):

Molecular Pathology, Peter Maccallum Cancer Centre
Classification: Uncertain significance for Lynch syndrome 4. Last evaluated: 2024-12-18. Review status: criteria provided, single submitter. Criteria: ACMG Guidelines, 2015. Collection method: clinical testing. Allele origin: germline. Inheritance: Autosomal dominant inheritance.

Ambry Genetics
Classification: Uncertain significance for Hereditary cancer-predisposing syndrome. Last evaluated: 2024-07-02. Review status: criteria provided, single submitter. Criteria: Ambry Variant Classification Scheme 2023. Collection method: clinical testing. Allele origin: germline.
Comment: The c.1353G>A variant (also known as p.R451R), located in coding exon 11 of the PMS2 gene, results from a G to A substitution at nucleotide position 1353. This nucleotide substitution does not change the arginine at codon 451. This nucleotide position is poorly conserved in available vertebrate species. In silico splice site analysis predicts that this alteration may result in the creation or strengthening of a novel splice donor site. Based on the available evidence, the clinical significance of this variant remains unclear.

All of Us Research Program, National Institutes of Health
Classification: Uncertain significance for Lynch syndrome. Last evaluated: 2024-05-14. Review status: criteria provided, single submitter. Criteria: ACMG Guidelines, 2015. Collection method: clinical testing. Allele origin: germline. Inheritance: Autosomal dominant inheritance. Observed: 1 variant allele, 1 heterozygote.
Comment: This variant causes a G>A change in exon 11 of the PMS2 gene. Splice site prediction tools suggest that this variant may impact RNA splicing, although this prediction has not been confirmed in published RNA studies. This variant has not been reported in individuals affected with PMS2-related disorders in the literature. This variant has not been identified in the general population by the Genome Aggregation Database (gnomAD). The available evidence is insufficient to determine the role of this variant in disease conclusively. Therefore, this variant is classified as a Variant of Uncertain Significance.

This study involves interpretation of variants in research participants for the purpose of population health screening. Participant phenotype was not available at the time of variant classification. Additional details can be found in publication PMID: 35346344, PMCID: PMC8962531

Department of Pathology and Laboratory Medicine, Sinai Health System
Classification: Uncertain significance for Lynch syndrome. Last evaluated: 2020-01-10. Review status: criteria provided, single submitter. Criteria: ACMG Guidelines, 2015. Collection method: clinical testing. Allele origin: germline. Affected: yes.

NM_000535.7(PMS2):c.1353G>A (p.Arg451=)

Gene: PMS2 (PMS1 homolog 2, mismatch repair system component; minus strand). Cytogenetic location: 7p22.1.
Variant type: single nucleotide variant.
Coding change: c.1353G>A on transcript NM_000535.7 (MANE Select); coding-DNA position 1353, G replaced by A.
Protein change: p.Arg451=; no amino-acid change (arginine 451 retained).
Molecular consequence: synonymous variant. On other transcripts: non-coding transcript variant (1), intron variant (1).
Genome position (GRCh38, 1-based): chr7:5,987,412, C>T on the plus strand (G>A on the coding strand, the complement: PMS2 is on the minus strand). VCF-style: chr7-5987412-C-T. GRCh37 (hg19) VCF-style: chr7-6027043-C-T.
Other names: c.948G>A, p.Arg316= (NM_001322003.2, NM_001322004.2, NM_001322005.2 and 16 more transcripts); c.1197G>A, p.Arg399= (NM_001322006.2, NM_001406870.1); c.1035G>A, p.Arg345= (NM_001322007.2, NM_001322008.2, NM_001406876.1 and 2 more transcripts); c.792G>A, p.Arg264= (NM_001322010.2, NM_001406906.1, NM_001406907.1); c.420G>A, p.Arg140= (NM_001322011.2, NM_001322012.2); c.780G>A, p.Arg260= (NM_001322013.2, NM_001406909.1); c.1353G>A, p.Arg451= (NM_001322014.2, NM_001406871.1, NM_001406872.1); c.1044G>A, p.Arg348= (NM_001322015.2, NM_001406875.1, NM_001406877.1 and 5 more transcripts); and 13 more.
Identifiers: ClinVar variation 3387512 (VCV003387512.4).